The following is an entry in ClinVar:

ClinVar aggregate classification (germline): Uncertain significance (1 of 4 stars; one submission).

Conditions:
Hereditary cancer-predisposing syndrome. Also called: Neoplastic Syndromes, Hereditary; Tumor predisposition; Hereditary Cancer Syndrome; Hereditary neoplastic syndrome. Identifiers: Orphanet 140162, MedGen C0027672, MeSH D009386, MONDO:0015356.

Allele frequency attached by ClinVar (database versions not stated): gnomAD exomes below 0.00001.
gnomAD v4.1: 1 of 1,612,950 alleles (0.000062%); highest among the groups gnomAD compares: Non-Finnish European, 0.000085%; no homozygotes.

Submission:

Ambry Genetics
Classification: Uncertain significance for Hereditary cancer-predisposing syndrome. Last evaluated: 2022-03-16. Review status: criteria provided, single submitter. Criteria: Ambry Variant Classification Scheme 2023. Collection method: clinical testing. Allele origin: germline.
Comment: The p.L255P variant (also known as c.764T>C), located in coding exon 6 of the RAD50 gene, results from a T to C substitution at nucleotide position 764. The leucine at codon 255 is replaced by proline, an amino acid with similar properties. This amino acid position is conserved. In addition, the in silico prediction for this alteration is inconclusive. Since supporting evidence is limited at this time, the clinical significance of this alteration remains unclear.

NM_005732.4(RAD50):c.764T>C (p.Leu255Pro)

Gene: RAD50 (RAD50 double strand break repair protein; plus strand). Cytogenetic location: 5q31.1.
Variant type: single nucleotide variant.
Coding change: c.764T>C on transcript NM_005732.4 (MANE Select); coding-DNA position 764, T replaced by C.
Protein change: p.Leu255Pro; replaces leucine 255 with proline.
Molecular consequence: missense variant.
Genome position (GRCh38, 1-based): chr5:132,587,569, T>C. VCF-style: chr5-132587569-T-C. GRCh37 (hg19) VCF-style: chr5-131923261-T-C.
Other names: short protein forms L255P.
Identifiers: ClinVar variation 1759977 (VCV001759977.2), dbSNP rs2479631554, ClinGen allele CA360940001.
Genomic context (GRCh38, chr5:132,587,569, plus strand): 5'-CAGCCATGTAAGCTATAGTGAGTTTTATTTATGTAATGTTTCTTTATTTTCAGAATCGTC[T>C]AAAAGAAATTGAACATAATCTCTCTAAAATAATGAAACTTGACAATGAAATTAAAGCCTT-3'
Protein context (NP_005723.2, residues 245-265): ENELDPLKNR[Leu255Pro]KEIEHNLSKI